The following is an entry in ClinVar:

NM_000092.5(COL4A4):c.2722del (p.Arg908fs)

Gene: COL4A4 (collagen type IV alpha 4 chain; minus strand). Cytogenetic location: 2q36.3.
Variant type: Deletion.
Coding change: c.2722del on transcript NM_000092.5 (MANE Select); coding-DNA position 2722, one base deleted (C; older notation c.2722delC).
Protein change: p.Arg908fs; shifts the reading frame from arginine 908.
Molecular consequence: frameshift variant.
Genome position (GRCh38, 1-based): chr2:227,054,732, G deleted on the plus strand (C on the coding strand, the reverse complement: COL4A4 is on the minus strand); the first of 4 consecutive G bases (chr2:227,054,732-227,054,735); deleting any one gives the same sequence. VCF-style (leftmost placement, unchanged base first): chr2-227054731-CG-C. GRCh37 (hg19) VCF-style: chr2-227919447-CG-C.
Other names: short protein forms R908fs.
Identifiers: ClinVar variation 5012767 (VCV005012767.1).

ClinVar aggregate classification (germline): Pathogenic (1 of 4 stars; one submission).

Conditions:
Alport syndrome. Also called: Hemorrhagic familial nephritis; Hemorrhagic hereditary nephritis; Congenital hereditary hematuria. Identifiers: Orphanet 63, MedGen C1567741, MONDO:0018965.

Submission:

Myriad Genetics, Inc.
Classification: Pathogenic for Alport syndrome. Last evaluated: 2024-02-20. Review status: criteria provided, single submitter. Criteria: Myriad Autosomal Dominant, Autosomal Recessive and X-Linked Classification Criteria (2023). Collection method: clinical testing. Allele origin: unknown.
Comment: NM_000092.4(COL4A4):c.2722delC(R908Gfs*42) is expected to be pathogenic in the context of Alport syndrome, COL4A4-related. This variant is predicted to lead to an abnormal or absent protein product due to the creation of a premature termination codon in COL4A4, a gene where loss-of-function variants are known to be pathogenic. Please note: this variant was assessed in the context of healthy population screening.